The following is an entry in ClinVar:

ClinVar aggregate classification (germline): Uncertain significance. Review status: criteria provided, multiple submitters, no conflicts (2 of 4 stars). 3 submissions from 3 submitters: Uncertain significance (3). Last evaluated 2024-05-30.

Conditions:
Hereditary spastic paraplegia. Also called: Familial spastic paraparesis. Identifiers: Orphanet 685, MedGen C0037773, MONDO:0019064. Disease mechanism: loss of function.
Inborn genetic diseases. Identifiers: MedGen C0950123, MeSH D030342.

Allele frequency attached by ClinVar (database versions not stated): gnomAD 0.00001; gnomAD exomes 0.00001 and 0.00002; TOPMed 0.00005.
gnomAD v4.1: 29 of 1,613,992 alleles (0.0018%); highest among the groups gnomAD compares: Non-Finnish European, 0.0024%; no homozygotes.

Submissions (3):

Ambry Genetics
Classification: Uncertain significance for Inborn genetic diseases. Last evaluated: 2024-05-30. Review status: criteria provided, single submitter. Criteria: Ambry Variant Classification Scheme 2023. Collection method: clinical testing. Allele origin: germline.

Labcorp Genetics (formerly Invitae), Labcorp
Classification: Uncertain significance. Last evaluated: 2022-10-13. Review status: criteria provided, single submitter. Criteria: Invitae Variant Classification Sherloc (09022015). Collection method: clinical testing. Allele origin: germline.
Comment: This variant has not been reported in the literature in individuals affected with SPART-related conditions. In summary, the available evidence is currently insufficient to determine the role of this variant in disease. Therefore, it has been classified as a Variant of Uncertain Significance. Algorithms developed to predict the effect of missense changes on protein structure and function output the following: SIFT: "Tolerated"; PolyPhen-2: "Benign"; Align-GVGD: "Class C0". The lysine amino acid residue is found in multiple mammalian species, which suggests that this missense change does not adversely affect protein function. ClinVar contains an entry for this variant (Variation ID: 644380). This variant is present in population databases (no rsID available, gnomAD 0.002%). This sequence change replaces glutamic acid, which is acidic and polar, with lysine, which is basic and polar, at codon 637 of the SPART protein (p.Glu637Lys).

Genome Diagnostics Laboratory, The Hospital for Sick Children
Classification: Uncertain significance for Hereditary spastic paraplegia. Last evaluated: 2016-12-12. Review status: criteria provided, single submitter. Criteria: ACMG Guidelines, 2015. Collection method: clinical testing. Allele origin: germline. Affected: yes.

NM_015087.5(SPART):c.1909G>A (p.Glu637Lys)

Gene: SPART (spartin; minus strand). Cytogenetic location: 13q13.3.
Variant type: single nucleotide variant.
Coding change: c.1909G>A on transcript NM_015087.5 (MANE Select); coding-DNA position 1909, G replaced by A.
Protein change: p.Glu637Lys; replaces glutamic acid 637 with lysine.
Molecular consequence: missense variant.
Genome position (GRCh38, 1-based): chr13:36,304,457, C>T on the plus strand (G>A on the coding strand, the complement: SPART is on the minus strand). VCF-style: chr13-36304457-C-T. GRCh37 (hg19) VCF-style: chr13-36878594-C-T.
Other names: c.1909G>A, p.Glu637Lys (NM_001142294.2, NM_001142295.2, NM_001142296.2); short protein forms E637K.
Identifiers: ClinVar variation 644380 (VCV000644380.14), dbSNP rs1050317633, ClinGen allele CA248154355.